The following is an entry in ClinVar:

ClinVar aggregate classification (germline): Uncertain significance (1 of 4 stars; one submission).

gnomAD v4.1: 1 of 1,595,544 alleles (0.000063%); highest among the groups gnomAD compares: Non-Finnish European, 0.000085%; no homozygotes.

Submission:

Labcorp Genetics (formerly Invitae), Labcorp
Classification: Uncertain significance. Last evaluated: 2025-10-28. Review status: criteria provided, single submitter. Criteria: Invitae Variant Classification Sherloc (09022015). Collection method: clinical testing. Allele origin: germline.
Comment: This sequence change replaces lysine, which is basic and polar, with arginine, which is basic and polar, at codon 283 of the GATA5 protein (p.Lys283Arg). This variant is not present in population databases (gnomAD no frequency). This variant has not been reported in the literature in individuals affected with GATA5-related conditions. Invitae Evidence Modeling of protein sequence and biophysical properties (such as structural, functional, and spatial information, amino acid conservation, physicochemical variation, residue mobility, and thermodynamic stability) indicates that this missense variant is not expected to disrupt GATA5 protein function with a negative predictive value of 80%. In summary, the available evidence is currently insufficient to determine the role of this variant in disease. Therefore, it has been classified as a Variant of Uncertain Significance.

NM_080473.5(GATA5):c.848A>G (p.Lys283Arg)

Gene: GATA5 (GATA binding protein 5; minus strand). Cytogenetic location: 20q13.33.
Variant type: single nucleotide variant.
Coding change: c.848A>G on transcript NM_080473.5 (MANE Select); coding-DNA position 848, A replaced by G.
Protein change: p.Lys283Arg; replaces lysine 283 with arginine.
Molecular consequence: missense variant.
Genome position (GRCh38, 1-based): chr20:62,465,899, T>C on the plus strand (A>G on the coding strand, the complement: GATA5 is on the minus strand). VCF-style: chr20-62465899-T-C. GRCh37 (hg19) VCF-style: chr20-61040955-T-C.
Other names: short protein forms K283R.
Identifiers: ClinVar variation 4743530 (VCV004743530.1).